The following is an entry in ClinVar:

NM_014014.5(SNRNP200):c.6295A>G (p.Thr2099Ala)

Gene: SNRNP200 (small nuclear ribonucleoprotein U5 subunit 200; minus strand). Cytogenetic location: 2q11.2.
Variant type: single nucleotide variant.
Coding change: c.6295A>G on transcript NM_014014.5 (MANE Select); coding-DNA position 6295, A replaced by G.
Protein change: p.Thr2099Ala; replaces threonine 2099 with alanine.
Molecular consequence: missense variant.
Genome position (GRCh38, 1-based): chr2:96,275,128, T>C on the plus strand (A>G on the coding strand, the complement: SNRNP200 is on the minus strand). VCF-style: chr2-96275128-T-C. GRCh37 (hg19) VCF-style: chr2-96940866-T-C.
Other names: short protein forms T2099A.
Identifiers: ClinVar variation 1035929 (VCV001035929.9), dbSNP rs140574531, ClinGen allele CA1777728.

ClinVar aggregate classification (germline): Uncertain significance. Review status: criteria provided, multiple submitters, no conflicts (2 of 4 stars). 2 submissions from 2 submitters: Uncertain significance (2). Last evaluated 2024-04-25.

Allele frequency attached by ClinVar (database versions not stated): gnomAD exomes 0.00001 and 0.00003; ExAC 0.00004; TOPMed 0.00008; gnomAD 0.00010 and 0.00011; ESP Exome Variant Server 0.00031.
gnomAD v4.1: 27 of 1,614,110 alleles (0.0017%); highest among the groups gnomAD compares: African/African-American, 0.031%; no homozygotes.

Submissions (2):

Labcorp Genetics (formerly Invitae), Labcorp
Classification: Uncertain significance. Last evaluated: 2024-04-25. Review status: criteria provided, single submitter. Criteria: Invitae Variant Classification Sherloc (09022015). Collection method: clinical testing. Allele origin: germline.
Comment: This sequence change replaces threonine, which is neutral and polar, with alanine, which is neutral and non-polar, at codon 2099 of the SNRNP200 protein (p.Thr2099Ala). This variant is present in population databases (rs140574531, gnomAD 0.05%). This variant has not been reported in the literature in individuals affected with SNRNP200-related conditions. ClinVar contains an entry for this variant (Variation ID: 1035929). Advanced modeling of protein sequence and biophysical properties (such as structural, functional, and spatial information, amino acid conservation, physicochemical variation, residue mobility, and thermodynamic stability) performed at Invitae indicates that this missense variant is not expected to disrupt SNRNP200 protein function with a negative predictive value of 80%. In summary, the available evidence is currently insufficient to determine the role of this variant in disease. Therefore, it has been classified as a Variant of Uncertain Significance.

Blueprint Genetics
Classification: Uncertain significance. Last evaluated: 2022-08-30. Review status: criteria provided, single submitter. Criteria: ACMG Guidelines, 2015. Collection method: clinical testing. Allele origin: germline.